The following is an entry in ClinVar:

ClinVar aggregate classification (germline): Uncertain significance (1 of 4 stars; one submission).

Submission:

Labcorp Genetics (formerly Invitae), Labcorp
Classification: Uncertain significance. Last evaluated: 2024-01-18. Review status: criteria provided, single submitter. Criteria: Invitae Variant Classification Sherloc (09022015). Collection method: clinical testing. Allele origin: germline.
Comment: This sequence change replaces proline, which is neutral and non-polar, with serine, which is neutral and polar, at codon 823 of the DSG1 protein (p.Pro823Ser). This variant is not present in population databases (gnomAD no frequency). This variant has not been reported in the literature in individuals affected with DSG1-related conditions. Advanced modeling of protein sequence and biophysical properties (such as structural, functional, and spatial information, amino acid conservation, physicochemical variation, residue mobility, and thermodynamic stability) performed at Invitae indicates that this missense variant is not expected to disrupt DSG1 protein function with a negative predictive value of 80%. In summary, the available evidence is currently insufficient to determine the role of this variant in disease. Therefore, it has been classified as a Variant of Uncertain Significance.

NM_001942.4(DSG1):c.2467C>T (p.Pro823Ser)

Genes: DSG1 (desmoglein 1; plus strand), DSG1-AS1 (DSG1 antisense RNA 1; minus strand), LOC126862720 (MED14-independent group 3 enhancer GRCh37_chr18:28933613-28934812; plus strand). Cytogenetic location: 18q12.1.
Variant type: single nucleotide variant.
Coding change: c.2467C>T on transcript NM_001942.4 (MANE Select); coding-DNA position 2467, C replaced by T.
Protein change: p.Pro823Ser; replaces proline 823 with serine.
Molecular consequence: missense variant.
Genome position (GRCh38, 1-based): chr18:31,354,663, C>T. VCF-style: chr18-31354663-C-T. GRCh37 (hg19) VCF-style: chr18-28934626-C-T.
Other names: short protein forms P823S.
Identifiers: ClinVar variation 3632889 (VCV003632889.2).
Genomic context (GRCh38, chr18:31,354,663, plus strand): 5'-TTCGGCACTACCACAGTAATTTCTGAGAGCACCTATCCCTCGGGACCTGGTGTACTGCAT[C>T]CTAAGCCTATTCTCGATCCTCTGGGCTATGGTAATGTCACTGTGACCGAGTCTTACACCA-3'
Protein context (NP_001933.2, residues 813-833): TYPSGPGVLH[Pro823Ser]KPILDPLGYG